The following is an entry in ClinVar:

NM_015665.6(AAAS):c.936-1G>C

Gene: AAAS (aladin WD repeat nucleoporin; minus strand). Cytogenetic location: 12q13.13.
Variant type: single nucleotide variant.
Coding change: c.936-1G>C on transcript NM_015665.6 (MANE Select); the canonical splice acceptor site of the intron before coding-DNA position 936, G replaced by C.
Molecular consequence: splice acceptor variant.
Genome position (GRCh38, 1-based): chr12:53,309,021, C>G on the plus strand (G>C on the coding strand, the complement: AAAS is on the minus strand). VCF-style: chr12-53309021-C-G. GRCh37 (hg19) VCF-style: chr12-53702805-C-G.
Other names: c.837-1G>C (NM_001173466.2).
Identifiers: ClinVar variation 264989 (VCV000264989.8), dbSNP rs369629444, ClinGen allele CA6599042.

ClinVar aggregate classification (germline): Pathogenic/Likely pathogenic. Review status: criteria provided, multiple submitters, no conflicts (2 of 4 stars). 3 submissions from 3 submitters: Pathogenic (1); Likely pathogenic (2). Last evaluated 2025-12-02.

Conditions:
Glucocorticoid deficiency with achalasia (AAAS). Also called: Achalasia-Addisonianism-Alacrima (Triple-A) Syndrome; AAA syndrome; Allgrove syndrome; Achalasia-addisonianism-alacrimia syndrome; Triple-A syndrome; Alacrima-achalasia-addisonianism. Identifiers: Orphanet 869, MedGen C0271742, MONDO:0009279, OMIM 231550.

Allele frequency attached by ClinVar (database versions not stated): gnomAD exomes below 0.00001 and 0.00001; ExAC 0.00002; gnomAD 0.00002 and 0.00003; TOPMed 0.00003; ESP Exome Variant Server 0.00008.
gnomAD v4.1: 8 of 1,614,108 alleles (0.0005%); highest among the groups gnomAD compares: African/African-American, 0.0093%; no homozygotes.

Submissions (3):

Rady Children's Institute for Genomic Medicine, Rady Children's Hospital San Diego
Classification: Pathogenic for Achalasia-addisonianism-alacrima syndrome. Last evaluated: 2025-12-02. Review status: criteria provided, single submitter. Criteria: ACMG Guidelines, 2015. Collection method: clinical testing. Allele origin: germline. Affected: yes.
Comment: This variant affects the canonical splice acceptor site of intron 9 and is therefore predicted to interfere with splicing and result in loss of normal protein function through either protein truncation or nonsense-mediated mRNA decay. This variant has not been previously reported or functionally characterized in the literature to our knowledge. The c.936-1G>C variant is present in the latest version of the gnomAD population database at an allele frequency of 0.0005% (8/1614108), and is absent in the homozygous state, thus is presumed to be rare. Based on the available evidence, c.936-1G>C is classified as Pathogenic.

Labcorp Genetics (formerly Invitae), Labcorp
Classification: Likely pathogenic. Last evaluated: 2023-10-30. Review status: criteria provided, single submitter. Criteria: Invitae Variant Classification Sherloc (09022015). Collection method: clinical testing. Allele origin: germline.
Comment: This sequence change affects an acceptor splice site in intron 9 of the AAAS gene. It is expected to disrupt RNA splicing. Variants that disrupt the donor or acceptor splice site typically lead to a loss of protein function (PMID: 16199547), and loss-of-function variants in AAAS are known to be pathogenic (PMID: 11159947). This variant is present in population databases (rs369629444, gnomAD 0.02%). This variant has not been reported in the literature in individuals affected with AAAS-related conditions. ClinVar contains an entry for this variant (Variation ID: 264989). Algorithms developed to predict the effect of sequence changes on RNA splicing suggest that this variant may disrupt the consensus splice site. In summary, the currently available evidence indicates that the variant is pathogenic, but additional data are needed to prove that conclusively. Therefore, this variant has been classified as Likely Pathogenic.

GeneDx
Classification: Likely pathogenic. Last evaluated: 2022-03-11. Review status: criteria provided, single submitter. Criteria: GeneDx Variant Classification Process June 2021. Collection method: clinical testing. Allele origin: germline. Affected: yes.
Comment: Canonical splice site variant predicted to result in a null allele in a gene for which loss-of-function is a known mechanism of disease; Has not been previously published as pathogenic or benign to our knowledge

Literature cited by the submitters: PubMed 16199547 (cited by Labcorp Genetics (formerly Invitae), Labcorp); PubMed 11159947 (cited by Labcorp Genetics (formerly Invitae), Labcorp).